The following is an entry in ClinVar:

ClinVar aggregate classification (germline): Likely pathogenic (1 of 4 stars; one submission).

Conditions:
Autosomal recessive limb-girdle muscular dystrophy type 2C (LGMDR5). Also called: MUSCULAR DYSTROPHY, DUCHENNE-LIKE; MUSCULAR DYSTROPHY, LIMB-GIRDLE, AUTOSOMAL RECESSIVE 5. Identifiers: Orphanet 353, MedGen C0410173, MONDO:0009677, OMIM 253700. Disease mechanism: Affects gamma-sarcoglycan and also disrupts the integrity of the entire sarcoglycan complex..

Submission:

Labcorp Genetics (formerly Invitae), Labcorp
Classification: Likely pathogenic for Autosomal recessive limb-girdle muscular dystrophy type 2C. Last evaluated: 2017-05-15. Review status: criteria provided, single submitter. Criteria: Invitae Variant Classification Sherloc (09022015). Collection method: clinical testing. Allele origin: germline.
Comment: In summary, the currently available evidence indicates that the variant is pathogenic, but additional data are needed to prove that conclusively. Therefore, this variant has been classified as Likely Pathogenic. Donor and acceptor splice site variants typically lead to a loss of protein function (PMID: 16199547), and loss-of-function variants in SGCG are known to be pathogenic (PMID: 18285821). Algorithms developed to predict the effect of sequence changes on RNA splicing suggest that this variant may disrupt the consensus splice site, but this prediction has not been confirmed by published transcriptional studies. This variant has not been reported in the literature in individuals with an SGCG-related disease. This variant is not present in population databases (ExAC no frequency). This sequence change affects a donor splice site in intron 7 of the SGCG gene. It is expected to disrupt RNA splicing and likely results in an absent or disrupted protein product.

Literature cited by the submitters: PubMed 16199547; PubMed 18285821.

NM_000231.3(SGCG):c.702+1G>C

Gene: SGCG (sarcoglycan gamma; plus strand). Cytogenetic location: 13q12.12.
Variant type: single nucleotide variant.
Coding change: c.702+1G>C on transcript NM_000231.3 (MANE Select); the canonical splice donor site of the intron after coding-DNA position 702, G replaced by C.
Molecular consequence: splice donor variant.
Genome position (GRCh38, 1-based): chr13:23,320,761, G>C. VCF-style: chr13-23320761-G-C. GRCh37 (hg19) VCF-style: chr13-23894900-G-C.
Other names: c.756+1G>C (NM_001378244.1); c.702+1G>C (NM_001378245.1, NM_001378246.1).
Identifiers: ClinVar variation 461625 (VCV000461625.7), dbSNP rs1555248000, ClinGen allele CA387502962.